The following is an entry in ClinVar:

ClinVar aggregate classification (germline): Uncertain significance. Review status: criteria provided, multiple submitters, no conflicts (2 of 4 stars). 11 submissions from 7 submitters: Uncertain significance (11). Last evaluated 2024-08-29.

Conditions:
Epilepsy, idiopathic generalized, susceptibility to, 12 (EIG12). Identifiers: MedGen C3553859, MONDO:0013919, OMIM 614847.
Hereditary cryohydrocytosis with reduced stomatin. Also called: Stomatin-deficient cryohydrocytosis with neurologic defects; GLUT1 DEFICIENCY SYNDROME WITH PSEUDOHYPERKALEMIA AND HEMOLYSIS. Identifiers: Orphanet 168577, MedGen C1837206, MONDO:0012143, OMIM 608885.
Dystonia 9 (DYT9). Also called: CHOREOATHETOSIS, KINESIGENIC, WITH EPISODIC ATAXIA AND SPASTICITY. Identifiers: Orphanet 53583, MedGen C1832855, MONDO:0010983, OMIM 601042.
Encephalopathy due to GLUT1 deficiency. Also called: GLUCOSE TRANSPORT DEFECT, BLOOD-BRAIN BARRIER; Glucose transporter protein syndrome; De Vivo disease; GLUT1 deficiency syndrome 1; GLUT1 deficiency syndrome 1, infantile onset, severe; Classic Glucose Transporter Type 1 Deficiency Syndrome. Identifiers: Orphanet 71277, MedGen C4551966, MONDO:0011724, OMIM 606777.
Childhood onset GLUT1 deficiency syndrome 2. Also called: PAROXYSMAL EXERCISE-INDUCED DYSKINESIA WITH OR WITHOUT EPILEPSY AND/OR HEMOLYTIC ANEMIA; PAROXYSMAL EXERTION-INDUCED DYSTONIA WITH OR WITHOUT EPILEPSY AND/OR HEMOLYTIC ANEMIA; PED WITH OR WITHOUT EPILEPSY AND/OR HEMOLYTIC ANEMIA; GLUT1 deficiency syndrome 2; Paroxysmal exercise-induced dystonia; PxMD-SLC2A1. Identifiers: Orphanet 98811, MedGen C1842534, MONDO:0012805, OMIM 612126.
Inborn genetic diseases. Identifiers: MedGen C0950123, MeSH D030342.
GLUT1 deficiency syndrome 1, autosomal recessive. Identifiers: MedGen C3149117.

Allele frequency attached by ClinVar (database versions not stated): ExAC 0.00001; gnomAD exomes below 0.00001 and 0.00003; TOPMed 0.00001; gnomAD 0.00001.
gnomAD v4.1: 44 of 1,614,010 alleles (0.0027%); highest among the groups gnomAD compares: Non-Finnish European, 0.0036%; no homozygotes.

Submissions (11):

GeneDx
Classification: Uncertain significance. Last evaluated: 2024-08-29. Review status: criteria provided, single submitter. Criteria: GeneDx Variant Classification Process June 2021. Collection method: clinical testing. Allele origin: germline. Affected: yes.
Comment: Not observed at significant frequency in large population cohorts (gnomAD); In silico analysis supports that this missense variant has a deleterious effect on protein structure/function; This variant is associated with the following publications: (PMID: 23280796, 31737037)

Blueprint Genetics
Classification: Uncertain significance. Last evaluated: 2023-08-01. Review status: criteria provided, single submitter. Criteria: ACMG Guidelines, 2015. Collection method: clinical testing. Allele origin: germline.

Genome-Nilou Lab
Classification: Uncertain significance for Epilepsy, idiopathic generalized, susceptibility to, 12. Last evaluated: 2023-04-11. Review status: criteria provided, single submitter. Criteria: ACMG Guidelines, 2015. Collection method: clinical testing. Allele origin: germline. Affected: no.

Genome-Nilou Lab
Classification: Uncertain significance for Dystonia 9. Last evaluated: 2023-04-11. Review status: criteria provided, single submitter. Criteria: ACMG Guidelines, 2015. Collection method: clinical testing. Allele origin: germline. Affected: no.

Genome-Nilou Lab
Classification: Uncertain significance for Encephalopathy due to GLUT1 deficiency. Last evaluated: 2023-04-11. Review status: criteria provided, single submitter. Criteria: ACMG Guidelines, 2015. Collection method: clinical testing. Allele origin: germline. Affected: no.

Genome-Nilou Lab
Classification: Uncertain significance for Childhood onset GLUT1 deficiency syndrome 2. Last evaluated: 2023-04-11. Review status: criteria provided, single submitter. Criteria: ACMG Guidelines, 2015. Collection method: clinical testing. Allele origin: germline. Affected: no.

Genome-Nilou Lab
Classification: Uncertain significance for Hereditary cryohydrocytosis with reduced stomatin. Last evaluated: 2023-04-11. Review status: criteria provided, single submitter. Criteria: ACMG Guidelines, 2015. Collection method: clinical testing. Allele origin: germline. Affected: no.

Clinical Genetics Laboratory, Skane University Hospital Lund
Classification: Uncertain significance. Last evaluated: 2022-08-12. Review status: criteria provided, single submitter. Criteria: ACMG Guidelines, 2015. Collection method: clinical testing. Allele origin: germline. Affected: yes.

Labcorp Genetics (formerly Invitae), Labcorp
Classification: Uncertain significance for GLUT1 deficiency syndrome 1, autosomal recessive. Last evaluated: 2022-02-20. Review status: criteria provided, single submitter. Criteria: Invitae Variant Classification Sherloc (09022015). Collection method: clinical testing. Allele origin: germline.
Comment: In summary, the available evidence is currently insufficient to determine the role of this variant in disease. Therefore, it has been classified as a Variant of Uncertain Significance. Experimental studies have shown that this missense change does not substantially affect SLC2A1 function (PMID: 23280796). Advanced modeling of protein sequence and biophysical properties (such as structural, functional, and spatial information, amino acid conservation, physicochemical variation, residue mobility, and thermodynamic stability) performed at Invitae indicates that this missense variant is expected to disrupt SLC2A1 protein function. ClinVar contains an entry for this variant (Variation ID: 985526). This missense change has been observed in individual(s) with clinical features of SLC2A1-related conditions (PMID: 31737037). This variant is present in population databases (rs201815571, gnomAD 0.0009%). This sequence change replaces arginine, which is basic and polar, with histidine, which is basic and polar, at codon 51 of the SLC2A1 protein (p.Arg51His).

Fulgent Genetics
Classification: Uncertain significance for Dystonia 9; Encephalopathy due to GLUT1 deficiency; Hereditary cryohydrocytosis with reduced stomatin; Childhood onset GLUT1 deficiency syndrome 2; Epilepsy, idiopathic generalized, susceptibility to, 12. Last evaluated: 2021-07-20. Review status: criteria provided, single submitter. Criteria: ACMG Guidelines, 2015. Collection method: clinical testing. Allele origin: unknown.

Ambry Genetics
Classification: Uncertain significance for Inborn genetic diseases. Last evaluated: 2017-12-01. Review status: criteria provided, single submitter. Criteria: Ambry exome assertion method (8-5-2015). Collection method: clinical testing. Allele origin: germline. Affected: yes. Observed: 1 variant allele.

Literature cited by the submitters: PubMed 23280796 (cited by Labcorp Genetics (formerly Invitae), Labcorp); PubMed 31737037 (cited by Labcorp Genetics (formerly Invitae), Labcorp).

NM_006516.4(SLC2A1):c.152G>A (p.Arg51His)

Gene: SLC2A1 (solute carrier family 2 member 1; minus strand). Cytogenetic location: 1p34.2.
Variant type: single nucleotide variant.
Coding change: c.152G>A on transcript NM_006516.4 (MANE Select); coding-DNA position 152, G replaced by A.
Protein change: p.Arg51His; replaces arginine 51 with histidine.
Molecular consequence: missense variant.
Genome position (GRCh38, 1-based): chr1:42,931,169, C>T on the plus strand (G>A on the coding strand, the complement: SLC2A1 is on the minus strand). VCF-style: chr1-42931169-C-T. GRCh37 (hg19) VCF-style: chr1-43396840-C-T.
Other names: short protein forms R51H.
Identifiers: ClinVar variation 985526 (VCV000985526.16), dbSNP rs201815571, ClinGen allele CA803603.